The following is an entry in ClinVar:

ClinVar aggregate classification (germline): Likely benign. Review status: criteria provided, multiple submitters, no conflicts (2 of 4 stars). 3 submissions from 3 submitters: Likely benign (3). Last evaluated 2025-10-02.

Conditions:
Episodic ataxia type 2 (EA2). Also called: ACETAZOLAMIDE-RESPONSIVE HEREDITARY PAROXYSMAL CEREBELLAR ATAXIA; ATAXIA, EPISODIC, WITH NYSTAGMUS; ATAXIA, FAMILIAL PAROXYSMAL; CEREBELLAR ATAXIA, PAROXYSMAL, ACETAZOLAMIDE-RESPONSIVE; CEREBELLOPATHY, HEREDITARY PAROXYSMAL; EPISODIC ATAXIA, NYSTAGMUS-ASSOCIATED. Identifiers: Orphanet 97, MedGen C1720416, MONDO:0007163, OMIM 108500.
Developmental and epileptic encephalopathy, 42 (DEE42A). Also called: Epileptic encephalopathy, early infantile, 42; DEVELOPMENTAL AND EPILEPTIC ENCEPHALOPATHY 42A; EPILEPTIC ENCEPHALOPATHY, EARLY INFANTILE, 42A. Identifiers: MedGen C4310716, MONDO:0014917, OMIM 617106.

Allele frequency attached by ClinVar (database versions not stated): gnomAD exomes 0.00003; gnomAD 0.00005 and 0.00006; TOPMed 0.00005.
gnomAD v4.1: 70 of 1,595,636 alleles (0.0044%); highest among the groups gnomAD compares: Admixed American, 0.0087%; no homozygotes.

Submissions (3):

Labcorp Genetics (formerly Invitae), Labcorp
Classification: Likely benign for Developmental and epileptic encephalopathy, 42; Episodic ataxia type 2. Last evaluated: 2025-10-02. Review status: criteria provided, single submitter. Criteria: Invitae Variant Classification Sherloc (09022015). Collection method: clinical testing. Allele origin: germline.

Blueprint Genetics
Classification: Likely benign. Last evaluated: 2024-06-27. Review status: criteria provided, single submitter. Criteria: ACMG Guidelines, 2015. Collection method: clinical testing. Allele origin: germline.

GeneDx
Classification: Likely benign. Last evaluated: 2016-05-05. Review status: criteria provided, single submitter. Criteria: GeneDx Variant Classification (06012015). Collection method: clinical testing. Allele origin: germline. Affected: yes.
Comment: This variant is considered likely benign or benign based on one or more of the following criteria: it is a conservative change, it occurs at a poorly conserved position in the protein, it is predicted to be benign by multiple in silico algorithms, and/or has population frequency not consistent with disease.

NM_001127222.2(CACNA1A):c.4388+12G>A

Gene: CACNA1A (calcium voltage-gated channel subunit alpha1 A; minus strand). Cytogenetic location: 19p13.13.
Variant type: single nucleotide variant.
Coding change: c.4388+12G>A on transcript NM_001127222.2 (MANE Select); 12 bases into the intron after coding-DNA position 4388, G replaced by A.
Molecular consequence: intron variant.
Genome position (GRCh38, 1-based): chr19:13,259,552, C>T on the plus strand (G>A on the coding strand, the complement: CACNA1A is on the minus strand). VCF-style: chr19-13259552-C-T. GRCh37 (hg19) VCF-style: chr19-13370366-C-T.
Other names: c.4391+12G>A (NM_001127221.2, NM_001174080.2); c.4400+12G>A (NM_000068.4, NM_023035.3).
Identifiers: ClinVar variation 383859 (VCV000383859.10), dbSNP rs924927963, ClinGen allele CA16608913.